The following is an entry in ClinVar:

ClinVar aggregate classification (germline): Uncertain significance. Review status: criteria provided, multiple submitters, no conflicts (2 of 4 stars). 3 submissions from 3 submitters: Uncertain significance (3). Last evaluated 2025-02-26.

Conditions:
Hereditary cancer-predisposing syndrome. Also called: Hereditary Cancer Syndrome; Neoplastic Syndromes, Hereditary; Tumor predisposition; Hereditary neoplastic syndrome. Identifiers: Orphanet 140162, MedGen C0027672, MeSH D009386, MONDO:0015356.
Familial cancer of breast. Also called: Hereditary breast cancer; BREAST CANCER, FAMILIAL; hereditary breast carcinoma. Identifiers: Orphanet 227535, MedGen C0346153, MONDO:0016419, OMIM 114480. Disease mechanism: loss of function.

gnomAD v4.1: 3 of 1,612,386 alleles (0.00019%); highest among the groups gnomAD compares: South Asian, 0.0022%; no homozygotes.

Submissions (3):

Ambry Genetics
Classification: Uncertain significance for Hereditary cancer-predisposing syndrome. Last evaluated: 2025-02-26. Review status: criteria provided, single submitter. Criteria: Ambry Variant Classification Scheme 2023. Collection method: clinical testing. Allele origin: germline.
Comment: The p.S51W variant (also known as c.152C>G), located in coding exon 1 of the BARD1 gene, results from a C to G substitution at nucleotide position 152. The serine at codon 51 is replaced by tryptophan, an amino acid with highly dissimilar properties. This amino acid position is highly conserved in available vertebrate species. In addition, this alteration is predicted to be deleterious by in silico analysis. Since supporting evidence is limited at this time, the clinical significance of this alteration remains unclear.

Labcorp Genetics (formerly Invitae), Labcorp
Classification: Uncertain significance for Familial cancer of breast. Last evaluated: 2024-04-01. Review status: criteria provided, single submitter. Criteria: Invitae Variant Classification Sherloc (09022015). Collection method: clinical testing. Allele origin: germline.
Comment: This sequence change replaces serine, which is neutral and polar, with tryptophan, which is neutral and slightly polar, at codon 51 of the BARD1 protein (p.Ser51Trp). This variant is not present in population databases (gnomAD no frequency). This variant has not been reported in the literature in individuals affected with BARD1-related conditions. ClinVar contains an entry for this variant (Variation ID: 489656). An algorithm developed to predict the effect of missense changes on protein structure and function (PolyPhen-2) suggests that this variant is likely to be disruptive. In summary, the available evidence is currently insufficient to determine the role of this variant in disease. Therefore, it has been classified as a Variant of Uncertain Significance.

Color Diagnostics, LLC DBA Color Health
Classification: Uncertain significance for Hereditary cancer-predisposing syndrome. Last evaluated: 2023-12-05. Review status: criteria provided, single submitter. Criteria: ACMG Guidelines, 2015. Collection method: clinical testing. Allele origin: germline.
Comment: This missense variant replaces serine with tryptophan at codon 51 of the BARD1 protein. Computational prediction suggests that this variant may have deleterious impact on protein structure and function (internally defined REVEL score threshold >= 0.7, PMID: 27666373). To our knowledge, functional studies have not been reported for this variant. This variant has not been reported in individuals affected with BARD1-related disorders in the literature. This variant has not been identified in the general population by the Genome Aggregation Database (gnomAD). The available evidence is insufficient to determine the role of this variant in disease conclusively. Therefore, this variant is classified as a Variant of Uncertain Significance.

NM_000465.4(BARD1):c.152C>G (p.Ser51Trp)

Gene: BARD1 (BRCA1 associated RING domain 1; minus strand). Cytogenetic location: 2q35.
Variant type: single nucleotide variant.
Coding change: c.152C>G on transcript NM_000465.4 (MANE Select); coding-DNA position 152, C replaced by G.
Protein change: p.Ser51Trp; replaces serine 51 with tryptophan.
Molecular consequence: missense variant. On other transcripts: non-coding transcript variant (3).
Genome position (GRCh38, 1-based): chr2:214,809,418, G>C on the plus strand (C>G on the coding strand, the complement: BARD1 is on the minus strand). VCF-style: chr2-214809418-G-C. GRCh37 (hg19) VCF-style: chr2-215674142-G-C.
Other names: c.152C>G, p.Ser51Trp (NM_001282543.2, NM_001282545.2, NM_001282548.2 and 1 more transcripts); c.152C>G (NM_000465.2); short protein forms S51W.
Identifiers: ClinVar variation 489656 (VCV000489656.21), dbSNP rs766788652, ClinGen allele CA350464744.
Genomic context (GRCh38, chr2:214,809,418, plus strand): 5'-AGAAACTGTGCGACCCGTGCCCTCGCAGCCACCCCCAAGAAGCTCCGTCTTTACCAACGC[G>C]AGCAGCGCAGCAGCTTCTCCAGGCGGTCGAGCGCGGCGCGACTGTGGGCCCAGGCACCGC-3'
Protein context (NP_000456.2, residues 41-61): LDRLEKLLRC[Ser51Trp]RCTNILREPV